The following is an entry in ClinVar:

Conditions:
Breast-ovarian cancer, familial, susceptibility to, 1 (BROVCA1). Also called: BRCA1 Hereditary Breast and Ovarian Cancer; OVARIAN CANCER, SUSCEPTIBILITY TO. Identifiers: Orphanet 145, MedGen C2676676, MONDO:0011450, OMIM 604370. Disease mechanism: loss of function.

Submission:

Brotman Baty Institute, University of Washington
No classification provided (evidence only). Condition: Breast-ovarian cancer, familial 1. Review status: no classification provided. Collection method: in vitro. Allele origin: not applicable. Functional consequence: function_uncertain_variant.
ClinVar note: "not provided" was previously submitted as the classification for the variant. However, the classification appeared to be based only on an observation of functional data so it was converted to no classification on 2025-07-30.

NM_007294.4(BRCA1):c.4892G>C (p.Ser1631Thr)

Gene: BRCA1 (BRCA1 DNA repair associated; minus strand). Cytogenetic location: 17q21.31.
Variant type: single nucleotide variant.
Coding change: c.4892G>C on transcript NM_007294.4 (MANE Select); coding-DNA position 4892, G replaced by C.
Protein change: p.Ser1631Thr; replaces serine 1631 with threonine.
Molecular consequence: missense variant. On other transcripts: non-coding transcript variant (1).
Genome position (GRCh38, 1-based): chr17:43,071,022, C>G on the plus strand (G>C on the coding strand, the complement: BRCA1 is on the minus strand). VCF-style: chr17-43071022-C-G. GRCh37 (hg19) VCF-style: chr17-41223039-C-G.
Other names: c.4679G>C, p.Ser1560Thr (NM_001407571.1, NM_001407894.1, NM_001407895.1 and 12 more transcripts); c.4958G>C, p.Ser1653Thr (NM_001407581.1, NM_001407582.1); c.4955G>C, p.Ser1652Thr (NM_001407583.1, NM_001407585.1, NM_001407587.1 and 1 more transcripts); c.4952G>C, p.Ser1651Thr (NM_001407590.1, NM_001407591.1); c.4892G>C, p.Ser1631Thr (NM_001407593.1, NM_001407594.1, NM_001407596.1 and 8 more transcripts); c.4889G>C, p.Ser1630Thr (NM_001407620.1, NM_001407621.1, NM_001407622.1 and 17 more transcripts); c.4886G>C, p.Ser1629Thr (NM_001407627.1, NM_001407628.1, NM_001407639.1 and 14 more transcripts); c.4883G>C, p.Ser1628Thr (NM_001407644.1, NM_001407645.1); and 70 more; short protein forms S1584T, S1631T, S1652T, S527T, S1334T, S1503T, S1518T, S1520T.
Identifiers: ClinVar variation 868835 (VCV000868835.3), dbSNP rs273901742, ClinGen allele CA10591741.